The following is an entry in ClinVar:

ClinVar aggregate classification (germline): Uncertain significance (1 of 4 stars; one submission).

Submission:

GeneDx
Classification: Uncertain significance. Last evaluated: 2016-12-05. Review status: criteria provided, single submitter. Criteria: GeneDx Variant Classification (06012015). Collection method: clinical testing. Allele origin: germline. Affected: yes.
Comment: The S97R variant in the BCL11B gene has not been reported previously as a pathogenic variant, nor as a benign variant, to our knowledge. The S97R variant was not observed in approximately 6500 individuals of European and African American ancestry in the NHLBI Exome Sequencing Project, indicating it is not a common benign variant in these populations. The S97R variant is a semi-conservative amino acid substitution, which may impact secondary protein structure as these residues differ in some properties. This substitution occurs at a position that is conserved in mammals. In silico analysis is inconsistent in its predictions as to whether or not the variant is damaging to the protein structure/function. We interpret S97R as a variant of uncertain significance.

NM_138576.4(BCL11B):c.289A>C (p.Ser97Arg)

Gene: BCL11B (BAF chromatin remodeling complex subunit BCL11B; minus strand). Cytogenetic location: 14q32.2.
Variant type: single nucleotide variant.
Coding change: c.289A>C on transcript NM_138576.4 (MANE Select); coding-DNA position 289, A replaced by C.
Protein change: p.Ser97Arg; replaces serine 97 with arginine.
Molecular consequence: missense variant.
Genome position (GRCh38, 1-based): chr14:99,257,609, T>G on the plus strand (A>C on the coding strand, the complement: BCL11B is on the minus strand). VCF-style: chr14-99257609-T-G. GRCh37 (hg19) VCF-style: chr14-99723946-T-G.
Other names: c.286A>C, p.Ser96Arg (NM_001282237.2, NM_001282238.2); c.289A>C, p.Ser97Arg (NM_022898.3); short protein forms S97R, S96R.
Identifiers: ClinVar variation 391347 (VCV000391347.2), dbSNP rs1057524045, ClinGen allele CA16607738.